The following is an entry in ClinVar:

NM_020207.7(ERCC6L2):c.1673C>G (p.Thr558Arg)

Gene: ERCC6L2 (ERCC excision repair 6 like 2; plus strand). Cytogenetic location: 9q22.32.
Variant type: single nucleotide variant.
Coding change: c.1673C>G on transcript NM_020207.7 (MANE Select); coding-DNA position 1673, C replaced by G.
Protein change: p.Thr558Arg; replaces threonine 558 with arginine.
Molecular consequence: missense variant. On other transcripts: non-coding transcript variant (1).
Genome position (GRCh38, 1-based): chr9:95,928,786, C>G. VCF-style: chr9-95928786-C-G. GRCh37 (hg19) VCF-style: chr9-98691068-C-G.
Other names: c.1673C>G, p.Thr558Arg (NM_001010895.4, NM_001375291.1, NM_001375292.1 and 2 more transcripts); short protein forms T558R.
Identifiers: ClinVar variation 3845988 (VCV003845988.1).

ClinVar aggregate classification (germline): Uncertain significance (1 of 4 stars; one submission).

Conditions:
Inborn genetic diseases. Identifiers: MedGen C0950123, MeSH D030342.

Submission:

Ambry Genetics
Classification: Uncertain significance for Inborn genetic diseases. Last evaluated: 2025-03-10. Review status: criteria provided, single submitter. Criteria: Ambry Variant Classification Scheme 2023. Collection method: clinical testing. Allele origin: germline.
Comment: The p.T558R variant (also known as c.1673C>G), located in coding exon 11 of the ERCC6L2 gene, results from a C to G substitution at nucleotide position 1673. The threonine at codon 558 is replaced by arginine, an amino acid with similar properties. This amino acid position is conserved. In addition, this alteration is predicted to be deleterious by in silico analysis. Based on the available evidence, the clinical significance of this variant remains unclear.